The following is an entry in ClinVar:

ClinVar aggregate classification (germline): Uncertain significance (1 of 4 stars; one submission).

Submission:

Labcorp Genetics (formerly Invitae), Labcorp
Classification: Uncertain significance. Last evaluated: 2020-01-06. Review status: criteria provided, single submitter. Criteria: Invitae Variant Classification Sherloc (09022015). Collection method: clinical testing. Allele origin: germline.
Comment: In summary, the available evidence is currently insufficient to determine the role of this variant in disease. Therefore, it has been classified as a Variant of Uncertain Significance. Algorithms developed to predict the effect of sequence changes on RNA splicing suggest that this variant may create or strengthen a splice site, but this prediction has not been confirmed by published transcriptional studies. Algorithms developed to predict the effect of missense changes on protein structure and function are either unavailable or do not agree on the potential impact of this missense change (SIFT: "Deleterious"; PolyPhen-2: "Probably Damaging"; Align-GVGD: "Class C0"). This variant has not been reported in the literature in individuals with USH2A-related conditions. This variant is not present in population databases (ExAC no frequency). This sequence change replaces cysteine with serine at codon 438 of the USH2A protein (p.Cys438Ser). The cysteine residue is highly conserved and there is a moderate physicochemical difference between cysteine and serine.

NM_206933.4(USH2A):c.1312T>A (p.Cys438Ser)

Gene: USH2A (usherin; minus strand). Cytogenetic location: 1q41.
Variant type: single nucleotide variant.
Coding change: c.1312T>A on transcript NM_206933.4 (MANE Select); coding-DNA position 1312, T replaced by A.
Protein change: p.Cys438Ser; replaces cysteine 438 with serine.
Molecular consequence: missense variant.
Genome position (GRCh38, 1-based): chr1:216,324,184, A>T on the plus strand (T>A on the coding strand, the complement: USH2A is on the minus strand). VCF-style: chr1-216324184-A-T. GRCh37 (hg19) VCF-style: chr1-216497526-A-T.
Other names: c.1312T>A, p.Cys438Ser (NM_007123.6); short protein forms C438S.
Identifiers: ClinVar variation 1051002 (VCV001051002.9), dbSNP rs2102654032, ClinGen allele CA344911383.
Genomic context (GRCh38, chr1:216,324,184, plus strand): 5'-TAACCAATCAGTCTATTAAATTAATTGTTTAAAAATATTCATACTTGGAAAGCTGAAGAC[A>T]GTTGACAGAATCAGGTTTTTCCAAATCTCCATTGTTTTTCATTCCAAAAGCACCACAATT-3'
Protein context (NP_996816.3, residues 428-448): GDLEKPDSVN[Cys438Ser]LQLSNFTPYS